The following is an entry in ClinVar:

NM_000431.4(MVK):c.274A>C (p.Lys92Gln)

Gene: MVK (mevalonate kinase; plus strand). Cytogenetic location: 12q24.11.
Variant type: single nucleotide variant.
Coding change: c.274A>C on transcript NM_000431.4 (MANE Select); coding-DNA position 274, A replaced by C.
Protein change: p.Lys92Gln; replaces lysine 92 with glutamine.
Molecular consequence: missense variant. On other transcripts: 5 prime UTR variant (1), non-coding transcript variant (2).
Genome position (GRCh38, 1-based): chr12:109,579,849, A>C. VCF-style: chr12-109579849-A-C. GRCh37 (hg19) VCF-style: chr12-110017654-A-C.
Other names: c.274A>C, p.Lys92Gln (NM_001114185.3, NM_001301182.2, NM_001414511.1 and 3 more transcripts); c.-309A>C (NM_001414515.1); short protein forms K92Q.
Identifiers: ClinVar variation 3755553 (VCV003755553.2).

ClinVar aggregate classification (germline): Uncertain significance (1 of 4 stars; one submission).

Conditions:
Mevalonic aciduria (MEVA). Identifiers: Orphanet 29, MedGen C1959626, MONDO:0012481, OMIM 610377.
Porokeratosis 3, disseminated superficial actinic type (POROK3). Also called: POROKERATOSIS 3, MULTIPLE TYPES; POROKERATOSIS 3, MIBELLI TYPE; POROKERATOSIS, DISSEMINATED SUPERFICIAL ACTINIC, 1. Identifiers: MedGen C1867981, MONDO:0008293, OMIM 175900.
Hyperimmunoglobulin D with periodic fever (HIDS). Also called: HYPERIMMUNOGLOBULINEMIA D AND PERIODIC FEVER SYNDROME; Hyperimmunoglobulinemia D; Hyperimmunoglobulinemia D with periodic fever. Identifiers: Orphanet 343, MedGen C0398691, MONDO:0009849, OMIM 260920.

Submission:

Labcorp Genetics (formerly Invitae), Labcorp
Classification: Uncertain significance for Mevalonic aciduria; Hyperimmunoglobulin D with periodic fever; Porokeratosis 3, disseminated superficial actinic type. Last evaluated: 2024-11-11. Review status: criteria provided, single submitter. Criteria: Invitae Variant Classification Sherloc (09022015). Collection method: clinical testing. Allele origin: germline.
Comment: This sequence change replaces lysine, which is basic and polar, with glutamine, which is neutral and polar, at codon 92 of the MVK protein (p.Lys92Gln). This variant is not present in population databases (gnomAD no frequency). This variant has not been reported in the literature in individuals affected with MVK-related conditions. Invitae Evidence Modeling of protein sequence and biophysical properties (such as structural, functional, and spatial information, amino acid conservation, physicochemical variation, residue mobility, and thermodynamic stability) has been performed for this missense variant. However, the output from this modeling did not meet the statistical confidence thresholds required to predict the impact of this variant on MVK protein function. In summary, the available evidence is currently insufficient to determine the role of this variant in disease. Therefore, it has been classified as a Variant of Uncertain Significance.